The following is an entry in ClinVar:

NM_001379291.1(BRD4):c.3433C>T (p.His1145Tyr)

Gene: BRD4 (bromodomain containing 4; minus strand). Cytogenetic location: 19p13.12.
Variant type: single nucleotide variant.
Coding change: c.3433C>T on transcript NM_001379291.1 (MANE Select); coding-DNA position 3433, C replaced by T.
Protein change: p.His1145Tyr; replaces histidine 1145 with tyrosine.
Molecular consequence: missense variant.
Genome position (GRCh38, 1-based): chr19:15,239,671, G>A on the plus strand (C>T on the coding strand, the complement: BRD4 is on the minus strand). VCF-style: chr19-15239671-G-A. GRCh37 (hg19) VCF-style: chr19-15350482-G-A.
Other names: c.3433C>T, p.His1145Tyr (NM_058243.3); short protein forms H1145Y.
Identifiers: ClinVar variation 3680664 (VCV003680664.2).
Genomic context (GRCh38, chr19:15,239,671, plus strand): 5'-GGGCCTCGGGGGGCCTGAGCCCTGGCTGTGGGCAGGGAGAGCACTCACGCTGGGGCAGGT[G>A]GACGGGGGCCTTGATGCTCTCCGGGTGCTTGGGGGGCTCCGGCCGCAGCGAGGGGCTGAA-3'
Protein context (NP_001366220.1, residues 1135-1155): KHPESIKAPV[His1145Tyr]LPQRPEMKPV

ClinVar aggregate classification (germline): Uncertain significance (1 of 4 stars; one submission).

gnomAD v4.1: 7 of 1,583,576 alleles (0.00044%); highest among the groups gnomAD compares: Non-Finnish European, 0.0006%; no homozygotes.

Submission:

Labcorp Genetics (formerly Invitae), Labcorp
Classification: Uncertain significance. Last evaluated: 2024-12-08. Review status: criteria provided, single submitter. Criteria: Invitae Variant Classification Sherloc (09022015). Collection method: clinical testing. Allele origin: germline.
Comment: This sequence change replaces histidine, which is basic and polar, with tyrosine, which is neutral and polar, at codon 1145 of the BRD4 protein (p.His1145Tyr). The frequency data for this variant in the population databases is considered unreliable, as metrics indicate poor data quality at this position in the gnomAD database. This variant has not been reported in the literature in individuals affected with BRD4-related conditions. An algorithm developed to predict the effect of missense changes on protein structure and function (PolyPhen-2) suggests that this variant is likely to be tolerated. In summary, the available evidence is currently insufficient to determine the role of this variant in disease. Therefore, it has been classified as a Variant of Uncertain Significance.